The following is an entry in ClinVar:

NM_007186.6(CEP250):c.4561del (p.Arg1521fs)

Gene: CEP250 (centrosomal protein 250; plus strand). Cytogenetic location: 20q11.22.
Variant type: Deletion.
Coding change: c.4561del on transcript NM_007186.6 (MANE Select); coding-DNA position 4561, one base deleted (A; older notation c.4561delA).
Protein change: p.Arg1521fs; shifts the reading frame from arginine 1521.
Molecular consequence: frameshift variant.
Genome position (GRCh38, 1-based): chr20:35,502,930, A deleted. VCF-style (leftmost placement, unchanged base first): chr20-35502929-GA-G. GRCh37 (hg19) VCF-style: chr20-34090757-GA-G.
Other names: c.2665del, p.Arg889fs (NM_001318219.1); short protein forms R1521fs, R889fs.
Identifiers: ClinVar variation 3652574 (VCV003652574.2).
Genomic context (GRCh38, chr20:35,502,929, plus strand): 5'-GCAGAAGCTGACTGTGCAGAGGGAGCAGATCAGAGAGCTCGAGAAGGATCGGGAGACTCA[GA>G]GGAACGTCTTGGAGCATCAGCTTCTAGAACTTGAGAAGAAAGACCAAATGATTGAGTCCC-3'

ClinVar aggregate classification (germline): Pathogenic (1 of 4 stars; one submission).

Submission:

Labcorp Genetics (formerly Invitae), Labcorp
Classification: Pathogenic. Last evaluated: 2025-06-23. Review status: criteria provided, single submitter. Criteria: Invitae Variant Classification Sherloc (09022015). Collection method: clinical testing. Allele origin: germline.
Comment: This sequence change creates a premature translational stop signal (p.Arg1521Glyfs*9) in the CEP250 gene. It is expected to result in an absent or disrupted protein product. Loss-of-function variants in CEP250 are known to be pathogenic (PMID: 24780881, 29718797). This variant is not present in population databases (gnomAD no frequency). This variant has not been reported in the literature in individuals affected with CEP250-related conditions. ClinVar contains an entry for this variant (Variation ID: 3652574). For these reasons, this variant has been classified as Pathogenic.

Literature cited by the submitters: PubMed 24780881; PubMed 29718797.